The following is an entry in ClinVar:

NM_001366385.1(CARD14):c.2261A>T (p.Gln754Leu)

Genes: SGSH (N-sulfoglucosamine sulfohydrolase; minus strand), CARD14 (caspase recruitment domain family member 14; plus strand). Cytogenetic location: 17q25.3.
Variant type: single nucleotide variant.
Coding change: c.2261A>T on transcript NM_001366385.1 (MANE Select); coding-DNA position 2261, A replaced by T.
Protein change: p.Gln754Leu; replaces glutamine 754 with leucine.
Molecular consequence: missense variant. On other transcripts: non-coding transcript variant (1).
Genome position (GRCh38, 1-based): chr17:80,203,863, A>T. VCF-style: chr17-80203863-A-T. GRCh37 (hg19) VCF-style: chr17-78177662-A-T.
Other names: c.2261A>T, p.Gln754Leu (NM_024110.4); short protein forms Q754L.
Identifiers: ClinVar variation 2948842 (VCV002948842.3), dbSNP rs2510746571, ClinGen allele CA401354493.

ClinVar aggregate classification (germline): Uncertain significance (1 of 4 stars; one submission).

Conditions:
Pityriasis rubra pilaris (PRP). Also called: Pityriasis rubra pilaris--familial type. Identifiers: Orphanet 2897, MedGen C0032027, MONDO:0100017, OMIM 173200, MONDO:0008251.
Psoriasis 2. Identifiers: MedGen C1864497, MONDO:0011269, OMIM 602723.

Submission:

Labcorp Genetics (formerly Invitae), Labcorp
Classification: Uncertain significance for Pityriasis rubra pilaris; Psoriasis 2. Last evaluated: 2023-06-14. Review status: criteria provided, single submitter. Criteria: Invitae Variant Classification Sherloc (09022015). Collection method: clinical testing. Allele origin: germline.
Comment: In summary, the available evidence is currently insufficient to determine the role of this variant in disease. Therefore, it has been classified as a Variant of Uncertain Significance. Advanced modeling of protein sequence and biophysical properties (such as structural, functional, and spatial information, amino acid conservation, physicochemical variation, residue mobility, and thermodynamic stability) performed at Invitae indicates that this missense variant is not expected to disrupt CARD14 protein function. This variant has not been reported in the literature in individuals affected with CARD14-related conditions. This variant is not present in population databases (gnomAD no frequency). This sequence change replaces glutamine, which is neutral and polar, with leucine, which is neutral and non-polar, at codon 754 of the CARD14 protein (p.Gln754Leu).